The following is an entry in ClinVar:

NM_001367561.1(DOCK7):c.2630C>G (p.Ala877Gly)

Gene: DOCK7 (dedicator of cytokinesis 7; minus strand). Cytogenetic location: 1p31.3.
Variant type: single nucleotide variant.
Coding change: c.2630C>G on transcript NM_001367561.1 (MANE Select); coding-DNA position 2630, C replaced by G.
Protein change: p.Ala877Gly; replaces alanine 877 with glycine.
Molecular consequence: missense variant.
Genome position (GRCh38, 1-based): chr1:62,552,868, G>C on the plus strand (C>G on the coding strand, the complement: DOCK7 is on the minus strand). VCF-style: chr1-62552868-G-C. GRCh37 (hg19) VCF-style: chr1-63018539-G-C.
Other names: c.2630C>G, p.Ala877Gly (NM_001271999.2, NM_001272000.2, NM_001272001.2 and 2 more transcripts); short protein forms A877G.
Identifiers: ClinVar variation 952158 (VCV000952158.34), dbSNP rs139050582, ClinGen allele CA886207.

ClinVar aggregate classification (germline): Uncertain significance. Review status: criteria provided, multiple submitters, no conflicts (2 of 4 stars). 5 submissions from 5 submitters: Uncertain significance (5). Last evaluated 2026-03-11.

Conditions:
Developmental and epileptic encephalopathy, 23 (DEE23). Also called: Epileptic encephalopathy, early infantile, 23. Identifiers: Orphanet 411986, MedGen C4014492, MONDO:0014371, OMIM 615859.

Allele frequency attached by ClinVar (database versions not stated): ExAC 0.00002; gnomAD exomes 0.00002; gnomAD 0.00003 and 0.00004; TOPMed 0.00003; ESP Exome Variant Server 0.00008.
gnomAD v4.1: 28 of 1,613,046 alleles (0.0017%); highest among the groups gnomAD compares: Non-Finnish European, 0.0024%; no homozygotes.

Submissions (5):

GeneDx
Classification: Uncertain significance. Last evaluated: 2026-03-11. Review status: criteria provided, single submitter. Criteria: GeneDx Variant Classification Process June 2021. Collection method: clinical testing. Allele origin: germline.
Comment: Not observed at significant frequency in large population cohorts (gnomAD); In silico analysis suggests that this missense variant does not alter protein structure/function; Has not been previously published as pathogenic or benign to our knowledge

Labcorp Genetics (formerly Invitae), Labcorp
Classification: Uncertain significance for Developmental and epileptic encephalopathy, 23. Last evaluated: 2025-10-20. Review status: criteria provided, single submitter. Criteria: Invitae Variant Classification Sherloc (09022015). Collection method: clinical testing. Allele origin: germline.
Comment: This sequence change replaces alanine, which is neutral and non-polar, with glycine, which is neutral and non-polar, at codon 877 of the DOCK7 protein (p.Ala877Gly). The frequency data for this variant in the population databases is considered unreliable, as metrics indicate poor data quality at this position in the gnomAD database. This variant has not been reported in the literature in individuals affected with DOCK7-related conditions. ClinVar contains an entry for this variant (Variation ID: 952158). Invitae Evidence Modeling of protein sequence and biophysical properties (such as structural, functional, and spatial information, amino acid conservation, physicochemical variation, residue mobility, and thermodynamic stability) indicates that this missense variant is not expected to disrupt DOCK7 protein function with a negative predictive value of 80%. In summary, the available evidence is currently insufficient to determine the role of this variant in disease. Therefore, it has been classified as a Variant of Uncertain Significance.

Blueprint Genetics
Classification: Uncertain significance. Last evaluated: 2024-08-05. Review status: criteria provided, single submitter. Criteria: ACMG Guidelines, 2015. Collection method: clinical testing. Allele origin: germline.

CeGaT Center for Human Genetics Tuebingen
Classification: Uncertain significance. Last evaluated: 2023-10-01. Review status: criteria provided, single submitter. Criteria: CeGaT Center For Human Genetics Tuebingen Variant Classification Criteria Version 2. Collection method: clinical testing. Allele origin: germline. Affected: yes. Observed: 1 variant allele.
Comment: DOCK7: PM2, BP1

Genome-Nilou Lab
Classification: Uncertain significance for Developmental and epileptic encephalopathy, 23. Last evaluated: 2023-04-11. Review status: criteria provided, single submitter. Criteria: ACMG Guidelines, 2015. Collection method: clinical testing. Allele origin: germline. Affected: no.